The following is an entry in ClinVar:

NC_000005.10:g.112707405G>C

Gene: APC (APC regulator of Wnt signaling pathway; plus strand). Cytogenetic location: 5q22.2.
Variant type: single nucleotide variant.
Genome position: GRCh38 VCF-style: chr5-112707405-G-C. GRCh37 (hg19) VCF-style: chr5-112043102-G-C.
Identifiers: ClinVar variation 1421132 (VCV001421132.6), dbSNP rs1580995493, ClinGen allele CA1573442255.
Genomic context (GRCh38, chr5:112,707,405, plus strand): 5'-TGCAACTGAGACTCGGCTGCCTAGGCAGCAATGGCTCACGGGACAGAACAGCGAAGCAGT[G>C]CCCGGCAAGCGGAGCGCAGCACCCATTGCGCCTGCGCATAACAGGCTCTAGTCTCCGGGC-3'

ClinVar aggregate classification (germline): Uncertain significance (1 of 4 stars; one submission).

Conditions:
Familial adenomatous polyposis 1 (FAP1). Also called: POLYPOSIS, ADENOMATOUS INTESTINAL; FAMILIAL ADENOMATOUS POLYPOSIS 1, ATTENUATED. Identifiers: MedGen C2713442, MONDO:0021056, OMIM 175100. Disease mechanism: loss of function.

Submission:

Labcorp Genetics (formerly Invitae), Labcorp
Classification: Uncertain significance for Familial adenomatous polyposis 1. Last evaluated: 2024-04-22. Review status: criteria provided, single submitter. Criteria: Invitae Variant Classification Sherloc (09022015). Collection method: clinical testing. Allele origin: germline.
Comment: This variant occurs in a non-coding region of the APC gene. It does not change the encoded amino acid sequence of the APC protein. This variant is not present in population databases (gnomAD no frequency). This variant has not been reported in the literature in individuals affected with APC-related conditions. Experimental studies and prediction algorithms are not available or were not evaluated, and the functional significance of this variant is currently unknown. In summary, the available evidence is currently insufficient to determine the role of this variant in disease. Therefore, it has been classified as a Variant of Uncertain Significance.